The following is an entry in ClinVar:

NM_004168.4(SDHA):c.1072G>T (p.Gly358Cys)

Gene: SDHA (succinate dehydrogenase complex flavoprotein subunit A; plus strand). Cytogenetic location: 5p15.33.
Variant type: single nucleotide variant.
Coding change: c.1072G>T on transcript NM_004168.4 (MANE Select); coding-DNA position 1072, G replaced by T.
Protein change: p.Gly358Cys; replaces glycine 358 with cysteine.
Molecular consequence: missense variant.
Genome position (GRCh38, 1-based): chr5:235,151, G>T. VCF-style: chr5-235151-G-T. GRCh37 (hg19) VCF-style: chr5-235266-G-T.
Other names: c.928G>T, p.Gly310Cys (NM_001294332.2); c.1072G>T, p.Gly358Cys (NM_001330758.2); short protein forms G310C, G358C.
Identifiers: ClinVar variation 4886604 (VCV004886604.2).

ClinVar aggregate classification (germline): Uncertain significance (1 of 4 stars; one submission).

Submission:

Dasa
Classification: Uncertain significance. Last evaluated: 2024-12-31. Review status: criteria provided, single submitter. Criteria: DASA Assertion Criteria. Collection method: clinical testing. Allele origin: germline.
Comment: NM_004168.4(SDHA):c.1072G>T (p.Gly358Cys) is a missense variant that results in the substitution of glycine with cysteine. This variant is absent from population databases. The currently available literature and clinical evidence are not sufficient to establish a definitive association between this variant and the reported condition. Therefore, this variant is classified as a variant of uncertain significance.